The following is an entry in ClinVar:

ClinVar aggregate classification (germline): Benign/Likely benign. Review status: criteria provided, multiple submitters, no conflicts (2 of 4 stars). 8 submissions from 8 submitters: Benign (7); Likely benign (1). Last evaluated 2026-01-26.

Allele frequency attached by ClinVar (database versions not stated): 1000 Genomes Project 0.00379; 1000 Genomes Project 30x 0.00406; TOPMed 0.00891; gnomAD 0.00943 and 0.00975; ESP Exome Variant Server 0.01215; gnomAD exomes 0.01483.
gnomAD v4.1: 22,978 of 1,614,138 alleles (1.4%); highest among the groups gnomAD compares: Non-Finnish European, 1.7%; 198 homozygotes.

Submissions (8):

Labcorp Genetics (formerly Invitae), Labcorp
Classification: Benign. Last evaluated: 2026-01-26. Review status: criteria provided, single submitter. Criteria: Invitae Variant Classification Sherloc (09022015). Collection method: clinical testing. Allele origin: germline.

Blueprint Genetics
Classification: Likely benign. Last evaluated: 2024-11-27. Review status: criteria provided, single submitter. Criteria: ACMG Guidelines, 2015. Collection method: clinical testing. Allele origin: germline.

Mayo Clinic Laboratories, Mayo Clinic
Classification: Benign. Last evaluated: 2022-03-03. Review status: criteria provided, single submitter. Criteria: ACMG Guidelines, 2015. Collection method: clinical testing. Allele origin: germline. Observed: 11 variant alleles.
Comment: BS1, BS2, BP4, BP7

Athena Diagnostics
Classification: Benign. Last evaluated: 2018-12-29. Review status: criteria provided, single submitter. Criteria: Athena Diagnostics Criteria. Collection method: clinical testing. Allele origin: germline.

GeneDx
Classification: Benign. Last evaluated: 2018-05-22. Review status: criteria provided, single submitter. Criteria: GeneDx Variant Classification Process June 2021. Collection method: clinical testing. Allele origin: germline. Affected: yes.

Laboratory for Molecular Medicine, Mass General Brigham Personalized Medicine
Classification: Benign. Last evaluated: 2012-05-07. Review status: criteria provided, single submitter. Criteria: LMM Criteria. Collection method: clinical testing. Allele origin: germline. Observed: 19 variant alleles.
Comment: "Ser76Ser in Exon 05 of TJP2: This variant is not expected to have clinical sign ificance because it does not alter an amino acid residue, is not located within the splice consensus sequence, and has been identified in 1.6% (115/7020) of Eur opean American chromosomes from a broad population by the NHLBI Exome Sequencing Project (dbSNP rs72709079)."

Breakthrough Genomics
Classification: Benign. Review status: criteria provided, single submitter. Criteria: ACMG Guidelines, 2015. Collection method: not provided. Allele origin: germline. Inheritance: Autosomal recessive inheritance. Affected: yes.

PreventionGenetics, part of Exact Sciences
Classification: Benign. Review status: criteria provided, single submitter. Criteria: ACMG Guidelines, 2015. Collection method: clinical testing. Allele origin: germline.

NM_004817.4(TJP2):c.297G>A (p.Ser99=)

Gene: TJP2 (tight junction protein 2; plus strand). Cytogenetic location: 9q21.11.
Variant type: single nucleotide variant.
Coding change: c.297G>A on transcript NM_004817.4 (MANE Select); coding-DNA position 297, G replaced by A.
Protein change: p.Ser99=; no amino-acid change (serine 99 retained).
Molecular consequence: synonymous variant.
Genome position (GRCh38, 1-based): chr9:69,218,314, G>A. VCF-style: chr9-69218314-G-A. GRCh37 (hg19) VCF-style: chr9-71833230-G-A.
Other names: p.Ser99=; c.228G>A, p.Ser76= (NM_001170414.2, NM_001369870.1, NM_001369871.1); c.309G>A, p.Ser103= (NM_001170415.1, NM_001369874.1, NM_001369875.1); c.390G>A, p.Ser130= (NM_001170416.2); c.297G>A, p.Ser99= (NM_001369872.1, NM_001369873.1, NM_201629.3).
Identifiers: ClinVar variation 44097 (VCV000044097.20), dbSNP rs72709079, ClinGen allele CA133558.